The following is an entry in ClinVar:

NC_000003.11:g.(?_148447967)_(151176497_?)del

Genes: COMMD2 (COMM domain containing 2; minus strand), GPR87 (G protein-coupled receptor 87; minus strand), GYG1 (glycogenin 1; plus strand), HLTF (helicase like transcription factor; minus strand), P2RY14 (purinergic receptor P2Y14; minus strand) and 25 more. Cytogenetic location: 3q24-25.1.
Variant type: Deletion.
Identifiers: ClinVar variation 1459543 (VCV001459543.38).

ClinVar aggregate classification (germline): Pathogenic (1 of 4 stars; one submission).

Conditions:
Polyglucosan body myopathy type 2. Identifiers: Orphanet 456369, MedGen C4015452, MONDO:0014526, OMIM 616199.
Glycogen storage disease XV (GSD15). Also called: GLYCOGENIN DEFICIENCY; GSD XV. Identifiers: Orphanet 263297, MedGen C3150754, MONDO:0013291, OMIM 613507.

Submission:

Labcorp Genetics (formerly Invitae), Labcorp
Classification: Pathogenic for Polyglucosan body myopathy type 2; Glycogen storage disease XV. Last evaluated: 2023-08-04. Review status: criteria provided, single submitter. Criteria: Invitae Variant Classification Sherloc (09022015). Collection method: clinical testing. Allele origin: germline.
Comment: A gross deletion of the genomic region encompassing the full coding sequence of the GYG1 gene has been identified. Loss-of-function variants in GYG1 are known to be pathogenic (PMID: 20357282, 25272951). The boundaries of this event are unknown as they extend beyond the assayed region for this gene and therefore may encompass additional genes. This variant has not been reported in the literature in individuals affected with GYG1-related conditions. For these reasons, this variant has been classified as Pathogenic.

Literature cited by the submitters: PubMed 20357282; PubMed 25272951.